The following is an entry in ClinVar:

ClinVar aggregate classification (germline): Likely benign. Review status: criteria provided, multiple submitters, no conflicts (2 of 4 stars). 2 submissions from 2 submitters: Likely benign (2). Last evaluated 2026-03-01.

Conditions:
RYR1-related disorder. Also called: RYR1-related disorders; RYR1-related condition. Identifiers: MedGen CN239331.

gnomAD v4.1: 1 of 1,613,976 alleles (0.000062%); highest among the groups gnomAD compares: African/African-American, 0.0013%; no homozygotes.

Submissions (2):

CeGaT Center for Human Genetics Tuebingen
Classification: Likely benign. Last evaluated: 2026-03-01. Review status: criteria provided, single submitter. Criteria: CeGaT Center For Human Genetics Tuebingen Variant Classification Criteria Version 2. Collection method: clinical testing. Allele origin: germline. Affected: yes. Observed: 1 variant allele.
Comment: RYR1: BP4, BP7

Labcorp Genetics (formerly Invitae), Labcorp
Classification: Likely benign for RYR1-related disorder. Last evaluated: 2025-10-30. Review status: criteria provided, single submitter. Criteria: Invitae Variant Classification Sherloc (09022015). Collection method: clinical testing. Allele origin: germline.

NM_000540.3(RYR1):c.3825C>T (p.Thr1275=)

Gene: RYR1 (ryanodine receptor 1; plus strand). Cytogenetic location: 19q13.2.
Variant type: single nucleotide variant.
Coding change: c.3825C>T on transcript NM_000540.3 (MANE Select); coding-DNA position 3825, C replaced by T.
Protein change: p.Thr1275=; no amino-acid change (threonine 1275 retained).
Molecular consequence: synonymous variant.
Genome position (GRCh38, 1-based): chr19:38,473,436, C>T. VCF-style: chr19-38473436-C-T. GRCh37 (hg19) VCF-style: chr19-38964076-C-T.
Other names: c.3825C>T, p.Thr1275= (NM_001042723.2).
Identifiers: ClinVar variation 4768966 (VCV004768966.5).